The following is an entry in ClinVar:

ClinVar aggregate classification (germline): Uncertain significance (1 of 4 stars; one submission).

Conditions:
Epilepsy, progressive myoclonic, 1B. Also called: PME. Identifiers: Orphanet 308, MedGen C2676254, MONDO:0012904, OMIM 612437.

Submission:

Labcorp Genetics (formerly Invitae), Labcorp
Classification: Uncertain significance for Epilepsy, progressive myoclonic, 1B. Last evaluated: 2026-02-02. Review status: criteria provided, single submitter. Criteria: Invitae Variant Classification Sherloc (09022015). Collection method: clinical testing. Allele origin: germline.
Comment: This sequence change replaces cysteine, which is neutral and slightly polar, with serine, which is neutral and polar, at codon 240 of the PRICKLE1 protein (p.Cys240Ser). This variant is not present in population databases (gnomAD no frequency). This variant has not been reported in the literature in individuals affected with PRICKLE1-related conditions. ClinVar contains an entry for this variant (Variation ID: 2050621). Invitae Evidence Modeling of protein sequence and biophysical properties (such as structural, functional, and spatial information, amino acid conservation, physicochemical variation, residue mobility, and thermodynamic stability) indicates that this missense variant is expected to disrupt PRICKLE1 protein function with a positive predictive value of 80%. In summary, the available evidence is currently insufficient to determine the role of this variant in disease. Therefore, it has been classified as a Variant of Uncertain Significance.

NM_153026.3(PRICKLE1):c.718T>A (p.Cys240Ser)

Gene: PRICKLE1 (prickle planar cell polarity protein 1; minus strand). Cytogenetic location: 12q12.
Variant type: single nucleotide variant.
Coding change: c.718T>A on transcript NM_153026.3 (MANE Select); coding-DNA position 718, T replaced by A.
Protein change: p.Cys240Ser; replaces cysteine 240 with serine.
Molecular consequence: missense variant.
Genome position (GRCh38, 1-based): chr12:42,466,251, A>T on the plus strand (T>A on the coding strand, the complement: PRICKLE1 is on the minus strand). VCF-style: chr12-42466251-A-T. GRCh37 (hg19) VCF-style: chr12-42860053-A-T.
Other names: c.718T>A, p.Cys240Ser (NM_001144881.2, NM_001144882.2, NM_001144883.2); short protein forms C240S.
Identifiers: ClinVar variation 2050621 (VCV002050621.4), dbSNP rs774058029, ClinGen allele CA384443332.
Genomic context (GRCh38, chr12:42,466,251, plus strand): 5'-TACCAATATGTTCCCCACAGGTTTCACAGTACTCCGCATAGAGAGACTCAAAACAGCCAC[A>T]GCAGAAGGGGCGGCCGTCCTTCATGATATACCTCTGTCCTCCCAGGACCGTTTCACACTC-3'
Protein context (NP_694571.2, residues 230-250): YIMKDGRPFC[Cys240Ser]GCFESLYAEY